The following is an entry in ClinVar:

NM_000052.7(ATP7A):c.3337G>A (p.Val1113Ile)

Gene: ATP7A (ATPase copper transporting alpha; plus strand). Cytogenetic location: Xq21.1.
Variant type: single nucleotide variant.
Coding change: c.3337G>A on transcript NM_000052.7 (MANE Select); coding-DNA position 3337, G replaced by A.
Protein change: p.Val1113Ile; replaces valine 1113 with isoleucine.
Molecular consequence: missense variant. On other transcripts: non-coding transcript variant (1).
Genome position (GRCh38, 1-based): chrX:78,033,647, G>A. VCF-style: chrX-78033647-G-A. GRCh37 (hg19) VCF-style: chrX-77289145-G-A.
Other names: c.3103G>A, p.Val1035Ile (NM_001282224.2); short protein forms V1113I, V1035I.
Identifiers: ClinVar variation 245935 (VCV000245935.21), dbSNP rs879254006, ClinGen allele CA10584648.
Genomic context (GRCh38, chrX:78,033,647, plus strand): 5'-TTTGTTTCTGTTTGTTAGGAGCTGGACACTGAAACCTTGGGTACCTGCATAGATTTCCAG[G>A]TTGTGCCAGGCTGTGGTATTAGCTGTAAAGTCACCAATATTGAAGGCTTGCTACATAAGA-3'
Protein context (NP_000043.4, residues 1103-1123): ETLGTCIDFQ[Val1113Ile]VPGCGISCKV

ClinVar aggregate classification (germline): Uncertain significance. Review status: criteria provided, multiple submitters, no conflicts (2 of 4 stars). 4 submissions from 4 submitters: Uncertain significance (4). Last evaluated 2025-11-08.

Conditions:
Menkes kinky-hair syndrome (MNK). Also called: Menkes Disease; Copper transport disease; Classic Menkes Disease. Identifiers: Orphanet 565, MedGen C0022716, MONDO:0010651, OMIM 309400.
Cutis laxa, X-linked (OHS). Also called: EDS IX; Occipital horn syndrome. Identifiers: Orphanet 198, MedGen C0268353, MONDO:0010572, OMIM 304150.
X-linked distal spinal muscular atrophy type 3. Also called: SPINAL MUSCULAR ATROPHY, DISTAL, X-LINKED RECESSIVE; ATP7A-Related Distal Motor Neuropathy; NEURONOPATHY, DISTAL HEREDITARY MOTOR, X-LINKED; NEUROPATHY, DISTAL HEREDITARY MOTOR, X-LINKED. Identifiers: Orphanet 139557, MedGen C1845359, MONDO:0010338, OMIM 300489.

Allele frequency attached by ClinVar (database versions not stated): gnomAD 0.00001; TOPMed 0.00001.
gnomAD v4.1: 1 of 1,209,893 alleles (0.000083%); highest among the groups gnomAD compares: Non-Finnish European, 0.00011%; no homozygotes.

Submissions (4):

Labcorp Genetics (formerly Invitae), Labcorp
Classification: Uncertain significance for X-linked distal spinal muscular atrophy type 3; Cutis laxa, X-linked; Menkes kinky-hair syndrome. Last evaluated: 2025-11-08. Review status: criteria provided, single submitter. Criteria: Invitae Variant Classification Sherloc (09022015). Collection method: clinical testing. Allele origin: germline.
Comment: This sequence change replaces valine, which is neutral and non-polar, with isoleucine, which is neutral and non-polar, at codon 1113 of the ATP7A protein (p.Val1113Ile). This variant is not present in population databases (gnomAD no frequency). This variant has not been reported in the literature in individuals affected with ATP7A-related conditions. ClinVar contains an entry for this variant (Variation ID: 245935). Invitae Evidence Modeling of protein sequence and biophysical properties (such as structural, functional, and spatial information, amino acid conservation, physicochemical variation, residue mobility, and thermodynamic stability) indicates that this missense variant is not expected to disrupt ATP7A protein function with a negative predictive value of 95%. In summary, the available evidence is currently insufficient to determine the role of this variant in disease. Therefore, it has been classified as a Variant of Uncertain Significance.

GeneDx
Classification: Uncertain significance. Last evaluated: 2025-06-03. Review status: criteria provided, single submitter. Criteria: GeneDx Variant Classification Process June 2021. Collection method: clinical testing. Allele origin: germline. Affected: yes.
Comment: Not observed at significant frequency in large population cohorts (gnomAD); In silico analysis suggests that this missense variant does not alter protein structure/function; Reported in ClinVar as a variant of uncertain significance (ClinVar Variant ID# 245935; ClinVar); Has not been previously published as pathogenic or benign to our knowledge; This variant is associated with the following publications: (PMID: 26582918)

Blueprint Genetics
Classification: Uncertain significance. Last evaluated: 2021-06-24. Review status: criteria provided, single submitter. Criteria: ACMG Guidelines, 2015. Collection method: clinical testing. Allele origin: germline.

ARUP Laboratories, Molecular Genetics and Genomics, ARUP Laboratories
Classification: Uncertain significance. Last evaluated: 2019-05-02. Review status: criteria provided, single submitter. Criteria: ARUP Molecular Germline Variant Investigation Process. Collection method: clinical testing. Allele origin: germline.
Comment: The ATP7A c.3337G>A; p.Val1113Ile variant (rs879254006), to our knowledge, has not been reported in the medical literature; however, this variant is listed in the ClinVar database as a variant of uncertain significance (Variation ID: 245935). This variant is absent from general population databases (1000 Genomes Project, Exome Variant Server, and Genome Aggregation Database), indicating it is not a common polymorphism. The valine at codon 1113 is moderately conserved (Alamut v.2.11) and computational analyses (SIFT: damaging, PolyPhen-2: benign) predict conflicting effects of this variant on protein structure/function. Therefore, based on the available information, the clinical significance of this variant is uncertain.